The following is an entry in ClinVar:

ClinVar aggregate classification (germline): Uncertain significance (1 of 4 stars; one submission).

gnomAD v4.1: 4 of 1,613,658 alleles (0.00025%); highest among the groups gnomAD compares: Admixed American, 0.0067%; no homozygotes.

Submission:

CeGaT Center for Human Genetics Tuebingen
Classification: Uncertain significance. Last evaluated: 2026-01-01. Review status: criteria provided, single submitter. Criteria: CeGaT Center For Human Genetics Tuebingen Variant Classification Criteria Version 2. Collection method: clinical testing. Allele origin: germline. Affected: yes. Observed: 1 variant allele.
Comment: DCHS1: PM2

NM_003737.4(DCHS1):c.6685A>C (p.Ile2229Leu)

Gene: DCHS1 (dachsous cadherin-related 1; minus strand). Cytogenetic location: 11p15.4.
Variant type: single nucleotide variant.
Coding change: c.6685A>C on transcript NM_003737.4 (MANE Select); coding-DNA position 6685, A replaced by C.
Protein change: p.Ile2229Leu; replaces isoleucine 2229 with leucine.
Molecular consequence: missense variant.
Genome position (GRCh38, 1-based): chr11:6,625,966, T>G on the plus strand (A>C on the coding strand, the complement: DCHS1 is on the minus strand). VCF-style: chr11-6625966-T-G. GRCh37 (hg19) VCF-style: chr11-6647197-T-G.
Other names: short protein forms I2229L.
Identifiers: ClinVar variation 4823283 (VCV004823283.4).